The following is an entry in ClinVar:

NM_001378418.1(TCF20):c.5824C>A (p.Pro1942Thr)

Gene: TCF20 (transcription factor 20; minus strand). Cytogenetic location: 22q13.2.
Variant type: single nucleotide variant.
Coding change: c.5824C>A on transcript NM_001378418.1 (MANE Select); coding-DNA position 5824, C replaced by A.
Protein change: p.Pro1942Thr; replaces proline 1942 with threonine.
Molecular consequence: missense variant. On other transcripts: intron variant (1).
Genome position (GRCh38, 1-based): chr22:42,168,712, G>T on the plus strand (C>A on the coding strand, the complement: TCF20 is on the minus strand). VCF-style: chr22-42168712-G-T. GRCh37 (hg19) VCF-style: chr22-42564718-G-T.
Other names: c.5824C>A, p.Pro1942Thr (NM_005650.4); c.5799+1135C>A (NM_181492.3); c.5824C>A (NM_005650.1); short protein forms P1942T.
Identifiers: ClinVar variation 1711554 (VCV001711554.36), dbSNP rs115095004, ClinGen allele CA10266332.
Genomic context (GRCh38, chr22:42,168,712, plus strand): 5'-CTCACCCCCGCTCCGACTGCTCTGTGCTGAGGCTGCCTTTCGCGGTCTTGTTCTGCAAGG[G>T]GGGGAGAGGGCACGGAAGGGGAGGCTGACACGGGCAAAACCAAGAGGAGACAGACAGGTG-3'
Protein context (NP_001365347.1, residues 1932-1952): HKPPLPCPLP[Pro1942Thr]LQNKTAKGSL

ClinVar aggregate classification (germline): Benign/Likely benign. Review status: criteria provided, multiple submitters, no conflicts (2 of 4 stars). 3 submissions from 3 submitters: Benign (1); Likely benign (2). Last evaluated 2026-04-23.

Conditions:
Inborn genetic diseases. Identifiers: MedGen C0950123, MeSH D030342.

Allele frequency attached by ClinVar (database versions not stated): 1000 Genomes Project 30x 0.00078; 1000 Genomes Project 0.00080.
gnomAD v4.1: 179 of 1,611,380 alleles (0.011%); highest among the groups gnomAD compares: South Asian, 0.088%; 1 homozygote.

Submissions (3):

Ambry Genetics
Classification: Likely benign for Inborn genetic diseases. Last evaluated: 2026-04-23. Review status: criteria provided, single submitter. Criteria: Ambry Variant Classification Scheme 2023. Collection method: clinical testing. Allele origin: germline.

Labcorp Genetics (formerly Invitae), Labcorp
Classification: Likely benign. Last evaluated: 2025-08-18. Review status: criteria provided, single submitter. Criteria: Invitae Variant Classification Sherloc (09022015). Collection method: clinical testing. Allele origin: germline.

CeGaT Center for Human Genetics Tuebingen
Classification: Benign. Last evaluated: 2022-09-01. Review status: criteria provided, single submitter. Criteria: CeGaT Center For Human Genetics Tuebingen Variant Classification Criteria Version 2. Collection method: clinical testing. Allele origin: germline. Affected: yes. Observed: 1 variant allele.
Comment: TCF20: BS1, BS2